The following is an entry in ClinVar:

ClinVar aggregate classification (germline): Uncertain significance (1 of 4 stars; one submission).

Conditions:
Charcot-Marie-Tooth disease axonal type 2F (CMT2F). Also called: CHARCOT-MARIE-TOOTH DISEASE, NEURONAL, TYPE 2F; Charcot-Marie-Tooth Neuropathy Type 2F. Identifiers: Orphanet 99940, MedGen C1847823, MONDO:0011687, OMIM 606595.

Submission:

Center for Human Genetics and Genomic Medicine, Uniklinik Rwth Aachen
Classification: Uncertain significance for Charcot-Marie-Tooth disease axonal type 2F. Last evaluated: 2023-09-27. Review status: criteria provided, single submitter. Criteria: ACMG Guidelines, 2015. Collection method: clinical testing. Allele origin: unknown. Inheritance: Autosomal dominant inheritance. Affected: yes. Observed: 1 heterozygote.
Comment: The variant is absent from healthy controls (gnomAD v2.1.1) and has not been reported in HSPB1-related disease. Therefore, this variant has been classified as variant of uncertain significance.

NM_001540.5(HSPB1):c.427A>T (p.Thr143Ser)

Gene: HSPB1 (heat shock protein family B (small) member 1; plus strand). Cytogenetic location: 7q11.23.
Variant type: single nucleotide variant.
Coding change: c.427A>T on transcript NM_001540.5 (MANE Select); coding-DNA position 427, A replaced by T.
Protein change: p.Thr143Ser; replaces threonine 143 with serine.
Molecular consequence: missense variant.
Genome position (GRCh38, 1-based): chr7:76,303,864, A>T. VCF-style: chr7-76303864-A-T. GRCh37 (hg19) VCF-style: chr7-75933181-A-T.
Other names: short protein forms T143S.
Identifiers: ClinVar variation 2664086 (VCV002664086.1), dbSNP rs1201100023, ClinGen allele CA367765592.
Genomic context (GRCh38, chr7:76,303,864, plus strand): 5'-AAGCACGAGGAGCGGCAGGACGAGCATGGCTACATCTCCCGGTGCTTCACGCGGAAATAC[A>T]CGTGAGTCCTGGCGCCAGGTCGGGGTGGGTGGGTGGCGTGGGGGTGGGGTCAGGGAAGAG-3'
Protein context (NP_001531.1, residues 133-153): YISRCFTRKY[Thr143Ser]LPPGVDPTQV